The following is an entry in ClinVar:

ClinVar aggregate classification (germline): Uncertain significance (1 of 4 stars; one submission).

Conditions:
Dystonia 12 (DYT12). Also called: Rapid-Onset Dystonia-Parkinsonism (RDP); DYT-ATP1A3. Identifiers: Orphanet 71517, MedGen C1868681, MONDO:0007496, OMIM 128235.

Submission:

Labcorp Genetics (formerly Invitae), Labcorp
Classification: Uncertain significance for Dystonia 12. Last evaluated: 2020-01-26. Review status: criteria provided, single submitter. Criteria: Invitae Variant Classification Sherloc (09022015). Collection method: clinical testing. Allele origin: germline.
Comment: This sequence change replaces alanine with aspartic acid at codon 338 of the ATP1A3 protein (p.Ala338Asp). The alanine residue is highly conserved and there is a moderate physicochemical difference between alanine and aspartic acid. This variant is not present in population databases (ExAC no frequency). In summary, the available evidence is currently insufficient to determine the role of this variant in disease. Therefore, it has been classified as a Variant of Uncertain Significance. Algorithms developed to predict the effect of missense changes on protein structure and function are either unavailable or do not agree on the potential impact of this missense change (SIFT: "Deleterious"; PolyPhen-2: "Probably Damaging"; Align-GVGD: "Class C0"). This variant has not been reported in the literature in individuals with ATP1A3-related conditions.

NM_152296.5(ATP1A3):c.1013C>A (p.Ala338Asp)

Gene: ATP1A3 (ATPase Na+/K+ transporting subunit alpha 3; minus strand). Cytogenetic location: 19q13.2.
Variant type: single nucleotide variant.
Coding change: c.1013C>A on transcript NM_152296.5 (MANE Select); coding-DNA position 1013, C replaced by A.
Protein change: p.Ala338Asp; replaces alanine 338 with aspartic acid.
Molecular consequence: missense variant.
Genome position (GRCh38, 1-based): chr19:41,982,087, G>T on the plus strand (C>A on the coding strand, the complement: ATP1A3 is on the minus strand). VCF-style: chr19-41982087-G-T. GRCh37 (hg19) VCF-style: chr19-42486239-G-T.
Other names: c.1046C>A, p.Ala349Asp (NM_001256213.2); c.1052C>A, p.Ala351Asp (NM_001256214.2); short protein forms A338D, A349D, A351D.
Identifiers: ClinVar variation 1011472 (VCV001011472.9), dbSNP rs2075238567, ClinGen allele CA406051682.